The following is an entry in ClinVar:

NM_001048174.2(MUTYH):c.60A>T (p.Glu20Asp)

Gene: MUTYH (mutY DNA glycosylase; minus strand). Cytogenetic location: 1p34.1.
Variant type: single nucleotide variant.
Coding change: c.60A>T on transcript NM_001048174.2 (MANE Select); coding-DNA position 60, A replaced by T.
Protein change: p.Glu20Asp; replaces glutamic acid 20 with aspartic acid.
Molecular consequence: missense variant. On other transcripts: 5 prime UTR variant (7), non-coding transcript variant (7).
Genome position (GRCh38, 1-based): chr1:45,334,446, T>A on the plus strand (A>T on the coding strand, the complement: MUTYH is on the minus strand). VCF-style: chr1-45334446-T-A. GRCh37 (hg19) VCF-style: chr1-45800118-T-A.
Other names: c.60A>T, p.Glu20Asp (NM_001048171.2, NM_001048172.2, NM_001048173.2 and 15 more transcripts); c.102A>T, p.Glu34Asp (NM_001128425.2, NM_001293190.2, NM_001407069.1 and 2 more transcripts); c.-153A>T (NM_001293192.2, NM_001293196.2, NM_001407091.1); c.-212A>T (NM_001350650.2); c.-148A>T (NM_001350651.2, NM_001407082.1); c.-97A>T (NM_001407075.1); c.78A>T, p.Glu26Asp (NM_001407087.1); short protein forms E26D, E34D, E20D.
Identifiers: ClinVar variation 4112939 (VCV004112939.1).

ClinVar aggregate classification (germline): Uncertain significance (1 of 4 stars; one submission).

Conditions:
Hereditary cancer-predisposing syndrome. Also called: Tumor predisposition; Neoplastic Syndromes, Hereditary; Hereditary neoplastic syndrome; Hereditary Cancer Syndrome. Identifiers: Orphanet 140162, MedGen C0027672, MeSH D009386, MONDO:0015356.

Submission:

Ambry Genetics
Classification: Uncertain significance for Hereditary cancer-predisposing syndrome. Last evaluated: 2025-08-27. Review status: criteria provided, single submitter. Criteria: Ambry Variant Classification Scheme 2023. Collection method: clinical testing. Allele origin: germline.
Comment: The p.E34D variant (also known as c.102A>T), located in coding exon 2 of the MUTYH gene, results from an A to T substitution at nucleotide position 102. The glutamic acid at codon 34 is replaced by aspartic acid, an amino acid with highly similar properties. This amino acid position is conserved. In addition, this alteration is predicted to be tolerated by in silico analysis. Based on the available evidence, the clinical significance of this variant remains unclear.